The following is an entry in ClinVar:

NM_032888.4(COL27A1):c.5177A>G (p.His1726Arg)

Gene: COL27A1 (collagen type XXVII alpha 1 chain; plus strand). Cytogenetic location: 9q32.
Variant type: single nucleotide variant.
Coding change: c.5177A>G on transcript NM_032888.4 (MANE Select); coding-DNA position 5177, A replaced by G.
Protein change: p.His1726Arg; replaces histidine 1726 with arginine.
Molecular consequence: missense variant.
Genome position (GRCh38, 1-based): chr9:114,307,738, A>G. VCF-style: chr9-114307738-A-G. GRCh37 (hg19) VCF-style: chr9-117070018-A-G.
Other names: c.5177A>G (NM_032888.2); short protein forms H1726R.
Identifiers: ClinVar variation 1504283 (VCV001504283.5), dbSNP rs200848931, ClinGen allele CA5203322.

ClinVar aggregate classification (germline): Uncertain significance. Review status: criteria provided, multiple submitters, no conflicts (2 of 4 stars). 2 submissions from 2 submitters: Uncertain significance (2). Last evaluated 2024-10-20.

Conditions:
Inborn genetic diseases. Identifiers: MedGen C0950123, MeSH D030342.

Allele frequency attached by ClinVar (database versions not stated): ESP Exome Variant Server 0.00015; gnomAD 0.00015; TOPMed 0.00019.
gnomAD v4.1: 370 of 1,613,960 alleles (0.023%); highest among the groups gnomAD compares: Non-Finnish European, 0.03%; no homozygotes.

Submissions (2):

Ambry Genetics
Classification: Uncertain significance for Inborn genetic diseases. Last evaluated: 2024-10-20. Review status: criteria provided, single submitter. Criteria: Ambry Variant Classification Scheme 2023. Collection method: clinical testing. Allele origin: germline.

Labcorp Genetics (formerly Invitae), Labcorp
Classification: Uncertain significance. Last evaluated: 2022-08-23. Review status: criteria provided, single submitter. Criteria: Invitae Variant Classification Sherloc (09022015). Collection method: clinical testing. Allele origin: germline.
Comment: This sequence change replaces histidine, which is basic and polar, with arginine, which is basic and polar, at codon 1726 of the COL27A1 protein (p.His1726Arg). This variant is present in population databases (rs200848931, gnomAD 0.03%). This variant has not been reported in the literature in individuals affected with COL27A1-related conditions. ClinVar contains an entry for this variant (Variation ID: 1504283). Advanced modeling of protein sequence and biophysical properties (such as structural, functional, and spatial information, amino acid conservation, physicochemical variation, residue mobility, and thermodynamic stability) performed at Invitae indicates that this missense variant is not expected to disrupt COL27A1 protein function. In summary, the available evidence is currently insufficient to determine the role of this variant in disease. Therefore, it has been classified as a Variant of Uncertain Significance.